The following is an entry in ClinVar:

NM_001085458.2(CTNND1):c.1418C>A (p.Thr473Asn)

Genes: CTNND1 (catenin delta 1; plus strand), TMX2-CTNND1 (TMX2-CTNND1 readthrough (NMD candidate); plus strand). Cytogenetic location: 11q12.1.
Variant type: single nucleotide variant.
Coding change: c.1418C>A on transcript NM_001085458.2 (MANE Select); coding-DNA position 1418, C replaced by A.
Protein change: p.Thr473Asn; replaces threonine 473 with asparagine.
Molecular consequence: missense variant. On other transcripts: non-coding transcript variant (1).
Genome position (GRCh38, 1-based): chr11:57,802,194, C>A. VCF-style: chr11-57802194-C-A. GRCh37 (hg19) VCF-style: chr11-57569666-C-A.
Other names: c.1418C>A, p.Thr473Asn (NM_001085459.2, NM_001085460.2, NM_001085461.2 and 3 more transcripts); c.1115C>A, p.Thr372Asn (NM_001085463.2, NM_001085464.2, NM_001085465.2 and 5 more transcripts); c.1256C>A, p.Thr419Asn (NM_001206883.2, NM_001206884.2, NM_001206886.2 and 4 more transcripts); short protein forms T372N, T419N, T473N.
Identifiers: ClinVar variation 2579584 (VCV002579584.1), dbSNP rs1175792150, ClinGen allele CA380726770.

ClinVar aggregate classification (germline): Uncertain significance (1 of 4 stars; one submission).

Submission:

GeneDx
Classification: Uncertain significance. Last evaluated: 2023-03-06. Review status: criteria provided, single submitter. Criteria: GeneDx Variant Classification Process June 2021. Collection method: clinical testing. Allele origin: germline. Affected: yes.
Comment: Not observed at significant frequency in large population cohorts (gnomAD); In silico analysis supports that this missense variant has a deleterious effect on protein structure/function; Has not been previously published as pathogenic or benign to our knowledge.